The following is an entry in ClinVar:

ClinVar aggregate classification (germline): Benign/Likely benign. Review status: criteria provided, multiple submitters, no conflicts (2 of 4 stars). 3 submissions from 3 submitters: Benign (1); Likely benign (2). Last evaluated 2024-09-12.

Conditions:
Hereditary diffuse gastric adenocarcinoma (HDGC). Also called: DIFFUSE GASTRIC AND LOBULAR BREAST CANCER SYNDROME. Identifiers: Orphanet 26106, MedGen C1708349, MONDO:0007648, OMIM 137215.

Allele frequency attached by ClinVar (database versions not stated): gnomAD exomes below 0.00001.
gnomAD v4.1: 1 of 1,613,826 alleles (0.000062%); highest among the groups gnomAD compares: Non-Finnish European, 0.000085%; no homozygotes.

Submissions (3):

Myriad Genetics, Inc.
Classification: Benign for Hereditary diffuse gastric adenocarcinoma. Last evaluated: 2024-09-12. Review status: criteria provided, single submitter. Criteria: Myriad Autosomal Dominant, Autosomal Recessive and X-Linked Classification Criteria (2023). Collection method: clinical testing. Allele origin: unknown.
Comment: This variant is considered benign. This variant is a silent/synonymous amino acid change and it is not expected to impact splicing.

Labcorp Genetics (formerly Invitae), Labcorp
Classification: Likely benign for Hereditary diffuse gastric adenocarcinoma. Last evaluated: 2023-03-23. Review status: criteria provided, single submitter. Criteria: Invitae Variant Classification Sherloc (09022015). Collection method: clinical testing. Allele origin: germline.

GeneDx
Classification: Likely benign. Last evaluated: 2017-05-02. Review status: criteria provided, single submitter. Criteria: GeneDx Variant Classification (06012015). Collection method: clinical testing. Allele origin: germline. Affected: yes.
Comment: This variant is considered likely benign or benign based on one or more of the following criteria: it is a conservative change, it occurs at a poorly conserved position in the protein, it is predicted to be benign by multiple in silico algorithms, and/or has population frequency not consistent with disease.

NM_004360.5(CDH1):c.180C>T (p.Cys60=)

Gene: CDH1 (cadherin 1; plus strand). Cytogenetic location: 16q22.1.
Variant type: single nucleotide variant.
Coding change: c.180C>T on transcript NM_004360.5 (MANE Select); coding-DNA position 180, C replaced by T.
Protein change: p.Cys60=; no amino-acid change (cysteine 60 retained).
Molecular consequence: synonymous variant. On other transcripts: 5 prime UTR variant (2).
Genome position (GRCh38, 1-based): chr16:68,801,686, C>T. VCF-style: chr16-68801686-C-T. GRCh37 (hg19) VCF-style: chr16-68835589-C-T.
Other names: c.180C>T, p.Cys60= (NM_001317184.2); c.-1436C>T (NM_001317185.2); c.-1640C>T (NM_001317186.2); c.180C>T (LRG_301t1).
Identifiers: ClinVar variation 509354 (VCV000509354.10), dbSNP rs1555514402, ClinGen allele CA496152592.